The following is an entry in ClinVar:

NM_014989.7(RIMS1):c.1009G>A (p.Gly337Ser)

Gene: RIMS1 (regulating synaptic membrane exocytosis 1; plus strand). Cytogenetic location: 6q13.
Variant type: single nucleotide variant.
Coding change: c.1009G>A on transcript NM_014989.7 (MANE Select); coding-DNA position 1009, G replaced by A.
Protein change: p.Gly337Ser; replaces glycine 337 with serine.
Molecular consequence: missense variant.
Genome position (GRCh38, 1-based): chr6:72,182,480, G>A. VCF-style: chr6-72182480-G-A. GRCh37 (hg19) VCF-style: chr6-72892183-G-A.
Other names: c.1009G>A (NM_014989.4); short protein forms G337S.
Identifiers: ClinVar variation 862961 (VCV000862961.12), dbSNP rs568357069, ClinGen allele CA3885638.
Genomic context (GRCh38, chr6:72,182,480, plus strand): 5'-CGAAGGCTTGAGAAAGGGCGATCACAGGATTACCCAGACACGCCGGAAAAACGGGATGAG[G>A]GCAAAGCGGCGGATGAGGAAAAGCAAAGAAAAGAGGAGGATTATCAGACCAGGTACCGCA-3'
Protein context (NP_055804.2, residues 327-347): YPDTPEKRDE[Gly337Ser]KAADEEKQRK

ClinVar aggregate classification (germline): Uncertain significance. Review status: criteria provided, multiple submitters, no conflicts (2 of 4 stars). 3 submissions from 3 submitters: Uncertain significance (3). Last evaluated 2026-01-12.

Allele frequency attached by ClinVar (database versions not stated): 1000 Genomes Project 0.00020; gnomAD 0.00001; gnomAD exomes 0.00003; TOPMed 0.00003; ExAC 0.00004; 1000 Genomes Project 30x 0.00016.
gnomAD v4.1: 52 of 1,612,460 alleles (0.0032%); highest among the groups gnomAD compares: Non-Finnish European, 0.0042%; no homozygotes.

Submissions (3):

Labcorp Genetics (formerly Invitae), Labcorp
Classification: Uncertain significance. Last evaluated: 2026-01-12. Review status: criteria provided, single submitter. Criteria: Invitae Variant Classification Sherloc (09022015). Collection method: clinical testing. Allele origin: germline.
Comment: This sequence change replaces glycine, which is neutral and non-polar, with serine, which is neutral and polar, at codon 337 of the RIMS1 protein (p.Gly337Ser). This variant is present in population databases (rs568357069, gnomAD 0.006%). This variant has not been reported in the literature in individuals affected with RIMS1-related conditions. ClinVar contains an entry for this variant (Variation ID: 862961). An algorithm developed to predict the effect of missense changes on protein structure and function (PolyPhen-2) suggests that this variant is likely to be tolerated. In summary, the available evidence is currently insufficient to determine the role of this variant in disease. Therefore, it has been classified as a Variant of Uncertain Significance.

Ambry Genetics
Classification: Uncertain significance. Last evaluated: 2025-07-15. Review status: criteria provided, single submitter. Criteria: Ambry Variant Classification Scheme 2023. Collection method: clinical testing. Allele origin: germline.

Blueprint Genetics
Classification: Uncertain significance. Last evaluated: 2024-03-12. Review status: criteria provided, single submitter. Criteria: ACMG Guidelines, 2015. Collection method: clinical testing. Allele origin: germline.